The following is an entry in ClinVar:

NM_004415.4(DSP):c.5846C>T (p.Ser1949Phe)

Gene: DSP (desmoplakin; plus strand). Cytogenetic location: 6p24.3.
Variant type: single nucleotide variant.
Coding change: c.5846C>T on transcript NM_004415.4 (MANE Select); coding-DNA position 5846, C replaced by T.
Protein change: p.Ser1949Phe; replaces serine 1949 with phenylalanine.
Molecular consequence: missense variant.
Genome position (GRCh38, 1-based): chr6:7,583,108, C>T. VCF-style: chr6-7583108-C-T. GRCh37 (hg19) VCF-style: chr6-7583341-C-T.
Other names: c.5846C>T (LRG_423t1); c.4049C>T, p.Ser1350Phe (NM_001008844.3); c.4517C>T, p.Ser1506Phe (NM_001319034.2); short protein forms S1949F, S1506F, S1350F.
Identifiers: ClinVar variation 392768 (VCV000392768.3), dbSNP rs1057524621, ClinGen allele CA16605158.
Genomic context (GRCh38, chr6:7,583,108, plus strand): 5'-AAACAGAACGCTCCCGATATCAGAGGGAGATTGATAAACTCAGACAGCGCCCATATGGGT[C>T]CCATCGAGAGACCCAGACTGAGTGTGAGTGGACCGTTGACACCTCCAAGCTGGTGTTTGA-3'
Protein context (NP_004406.2, residues 1939-1959): IDKLRQRPYG[Ser1949Phe]HRETQTECEW

ClinVar aggregate classification (germline): Uncertain significance. Review status: criteria provided, multiple submitters, no conflicts (2 of 4 stars). 2 submissions from 2 submitters: Uncertain significance (2). Last evaluated 2025-03-18.

Conditions:
Cardiovascular phenotype. Identifiers: MedGen CN230736.

Submissions (2):

Ambry Genetics
Classification: Uncertain significance for Cardiovascular phenotype. Last evaluated: 2025-03-18. Review status: criteria provided, single submitter. Criteria: Ambry Variant Classification Scheme 2023. Collection method: clinical testing. Allele origin: germline.
Comment: The p.S1949F variant (also known as c.5846C>T), located in coding exon 24 of the DSP gene, results from a C to T substitution at nucleotide position 5846. The serine at codon 1949 is replaced by phenylalanine, an amino acid with highly dissimilar properties. This amino acid position is conserved. In addition, this alteration is predicted to be tolerated by in silico analysis. Based on the available evidence, the clinical significance of this variant remains unclear.

GeneDx
Classification: Uncertain significance. Last evaluated: 2017-01-17. Review status: criteria provided, single submitter. Criteria: GeneDx Variant Classification (06012015). Collection method: clinical testing. Allele origin: germline. Affected: yes.
Comment: The S1949F variant of uncertain significance in the DSP gene has not been published as a pathogenic variant, nor has it been reported as a benign variant to our knowledge. S1949F was not observed in approximately 6,500 individuals of European and African American ancestry in the NHLBI Exome Sequencing Project, nor was it observed in the Exome Aggregation Consortium, indicating it is not a common benign variant in these populations. The S1949F variant is a non-conservative amino acid substitution, which is likely to impact secondary protein structure as these residues differ in polarity, charge, size and/or other properties. Moreover, this substitution occurs at a position that is conserved in mammals, and in silico analysis predicts this variant is probably damaging to the protein structure/function. Nevertheless, no pathogenic missense variants in nearby residues have been reported in the Human Gene Mutation Database (Stenson et al., 2014), indicating that this region of the gene is not known to harbor disease-causing variants.